The following is an entry in ClinVar:

ClinVar aggregate classification (germline): Uncertain significance. Review status: criteria provided, multiple submitters, no conflicts (2 of 4 stars). 5 submissions from 3 submitters: Uncertain significance (5). Last evaluated 2025-07-25.

Conditions:
Hereditary spherocytosis type 3. Also called: Spherocytosis type 3; SPTA1-Related Spherocytosis. Identifiers: Orphanet 822, MedGen C2678338, MONDO:0010053, OMIM 270970.
Pyropoikilocytosis, hereditary. Also called: Pyropoikilocytosis. Identifiers: MedGen C0520739, MONDO:0009948, OMIM 266140, HP:0004839. Disease mechanism: loss of function.
Elliptocytosis 2 (EL2). Also called: ELLIPTOCYTOSIS, RHESUS-UNLINKED TYPE. Identifiers: Orphanet 288, MedGen C1851741, MONDO:0007533, OMIM 130600.

Allele frequency attached by ClinVar (database versions not stated): gnomAD 0.00001; TOPMed 0.00002; ExAC 0.00003.
gnomAD v4.1: 92 of 1,613,644 alleles (0.0057%); highest among the groups gnomAD compares: Middle Eastern, 0.016%; no homozygotes.

Submissions (5):

Labcorp Genetics (formerly Invitae), Labcorp
Classification: Uncertain significance. Last evaluated: 2025-07-25. Review status: criteria provided, single submitter. Criteria: Invitae Variant Classification Sherloc (09022015). Collection method: clinical testing. Allele origin: germline.
Comment: This sequence change replaces arginine, which is basic and polar, with cysteine, which is neutral and slightly polar, at codon 2290 of the SPTA1 protein (p.Arg2290Cys). This variant is present in population databases (rs553043635, gnomAD 0.006%). This variant has not been reported in the literature in individuals affected with SPTA1-related conditions. ClinVar contains an entry for this variant (Variation ID: 292941). Invitae Evidence Modeling of protein sequence and biophysical properties (such as structural, functional, and spatial information, amino acid conservation, physicochemical variation, residue mobility, and thermodynamic stability) has been performed for this missense variant. However, the output from this modeling did not meet the statistical confidence thresholds required to predict the impact of this variant on SPTA1 protein function. In summary, the available evidence is currently insufficient to determine the role of this variant in disease. Therefore, it has been classified as a Variant of Uncertain Significance.

Revvity Omics, Revvity
Classification: Uncertain significance. Last evaluated: 2024-05-09. Review status: criteria provided, single submitter. Criteria: ACMG Guidelines, 2015. Collection method: clinical testing. Allele origin: germline.

Illumina Laboratory Services, Illumina
Classification: Uncertain significance for Pyropoikilocytosis, hereditary. Last evaluated: 2018-01-13. Review status: criteria provided, single submitter. Criteria: ICSL Variant Classification Criteria 13 December 2019. Collection method: clinical testing. Allele origin: germline.

Illumina Laboratory Services, Illumina
Classification: Uncertain significance for Hereditary spherocytosis type 3. Last evaluated: 2018-01-13. Review status: criteria provided, single submitter. Criteria: ICSL Variant Classification Criteria 13 December 2019. Collection method: clinical testing. Allele origin: germline.

Illumina Laboratory Services, Illumina
Classification: Uncertain significance for Elliptocytosis 2. Last evaluated: 2018-01-13. Review status: criteria provided, single submitter. Criteria: ICSL Variant Classification Criteria 13 December 2019. Collection method: clinical testing. Allele origin: germline.

NM_003126.4(SPTA1):c.6868C>T (p.Arg2290Cys)

Gene: SPTA1 (spectrin alpha, erythrocytic 1; minus strand). Cytogenetic location: 1q23.1.
Variant type: single nucleotide variant.
Coding change: c.6868C>T on transcript NM_003126.4 (MANE Select); coding-DNA position 6868, C replaced by T.
Protein change: p.Arg2290Cys; replaces arginine 2290 with cysteine.
Molecular consequence: missense variant.
Genome position (GRCh38, 1-based): chr1:158,613,842, G>A on the plus strand (C>T on the coding strand, the complement: SPTA1 is on the minus strand). VCF-style: chr1-158613842-G-A. GRCh37 (hg19) VCF-style: chr1-158583632-G-A.
Other names: short protein forms R2290C.
Identifiers: ClinVar variation 292941 (VCV000292941.8), dbSNP rs553043635, ClinGen allele CA1181793.
Genomic context (GRCh38, chr1:158,613,842, plus strand): 5'-CCATGGGCAAGTAGTAATTGAGTCCTCTCAGGCAGGACCGGAACTCTTTGTGAGTCAGGC[G>A]CCCTGTCAAATTCTCATCAAAGTGTCTAAAGGATAAAAAAAGAAAAAAAAATTTATCAAG-3'
Protein context (NP_003117.2, residues 2280-2300): YKHFDENLTG[Arg2290Cys]LTHKEFRSCL